The following is an entry in ClinVar:

NM_001034850.3(RETREG1):c.232T>C (p.Trp78Arg)

Genes: RETREG1 (reticulophagy regulator 1; minus strand), RETREG1-AS1 (RETREG1 antisense RNA 1; plus strand). Cytogenetic location: 5p15.1.
Variant type: single nucleotide variant.
Coding change: c.232T>C on transcript NM_001034850.3 (MANE Select); coding-DNA position 232, T replaced by C.
Protein change: p.Trp78Arg; replaces tryptophan 78 with arginine.
Molecular consequence: missense variant.
Genome position (GRCh38, 1-based): chr5:16,616,740, A>G on the plus strand (T>C on the coding strand, the complement: RETREG1 is on the minus strand). VCF-style: chr5-16616740-A-G. GRCh37 (hg19) VCF-style: chr5-16616849-A-G.
Other names: c.232T>C (NM_001034850.1); short protein forms W78R.
Identifiers: ClinVar variation 470692 (VCV000470692.10), dbSNP rs746283428, ClinGen allele CA3210535.
Genomic context (GRCh38, chr5:16,616,740, plus strand): 5'-CGAGCAGGCTCCGCAGCGGCCTCTTCCAGCTCAGCAGCTCGTCGGCGCGGCAGCCCAGCC[A>G]CAGCACCGGCTCCCCGAGCAGCCAGGTTACCGCGGCCGCCGCCCGGCCCGCGGCCTCCTC-3'
Protein context (NP_001030022.1, residues 68-88): VTWLLGEPVL[Trp78Arg]LGCRADELLS

ClinVar aggregate classification (germline): Uncertain significance. Review status: criteria provided, multiple submitters, no conflicts (2 of 4 stars). 3 submissions from 3 submitters: Uncertain significance (3). Last evaluated 2024-10-01.

Conditions:
Inborn genetic diseases. Identifiers: MedGen C0950123, MeSH D030342.

Allele frequency attached by ClinVar (database versions not stated): gnomAD 0.00002 and 0.00003; gnomAD exomes 0.00002 and 0.00008; TOPMed 0.00004; ExAC 0.00009.
gnomAD v4.1: 30 of 1,578,192 alleles (0.0019%); highest among the groups gnomAD compares: East Asian, 0.064%; no homozygotes.

Submissions (3):

Ambry Genetics
Classification: Uncertain significance for Inborn genetic diseases. Last evaluated: 2024-10-01. Review status: criteria provided, single submitter. Criteria: Ambry Variant Classification Scheme 2023. Collection method: clinical testing. Allele origin: germline.

Labcorp Genetics (formerly Invitae), Labcorp
Classification: Uncertain significance. Last evaluated: 2018-01-24. Review status: criteria provided, single submitter. Criteria: Invitae Variant Classification Sherloc (09022015). Collection method: clinical testing. Allele origin: germline.
Comment: This sequence change replaces tryptophan with arginine at codon 78 of the FAM134B protein (p.Trp78Arg). The tryptophan residue is weakly conserved and there is a moderate physicochemical difference between tryptophan and arginine. This variant is present in population databases (rs746283428, ExAC 0.1%). This variant has not been reported in the literature in individuals with FAM134B-related disease. ClinVar contains an entry for this variant (Variation ID: 470692). Algorithms developed to predict the effect of missense changes on protein structure and function (SIFT, PolyPhen-2, Align-GVGD) all suggest that this variant is likely to be tolerated, but these predictions have not been confirmed by published functional studies and their clinical significance is uncertain. In summary, the available evidence is currently insufficient to determine the role of this variant in disease. Therefore, it has been classified as a Variant of Uncertain Significance.

Breakthrough Genomics
Classification: Uncertain significance. Review status: criteria provided, single submitter. Criteria: ACMG Guidelines, 2015. Collection method: not provided. Allele origin: germline. Inheritance: Autosomal recessive inheritance. Affected: yes.